The following is an entry in ClinVar:

NM_003183.6(ADAM17):c.1317T>C (p.Ala439=)

Genes: ADAM17 (ADAM metallopeptidase domain 17; minus strand), IAH1 (isoamyl acetate hydrolyzing esterase 1 (putative); plus strand). Cytogenetic location: 2p25.1.
Variant type: single nucleotide variant.
Coding change: c.1317T>C on transcript NM_003183.6 (MANE Select); coding-DNA position 1317, T replaced by C.
Protein change: p.Ala439=; no amino-acid change (alanine 439 retained).
Molecular consequence: synonymous variant.
Genome position (GRCh38, 1-based): chr2:9,510,006, A>G on the plus strand (T>C on the coding strand, the complement: ADAM17 is on the minus strand). VCF-style: chr2-9510006-A-G. GRCh37 (hg19) VCF-style: chr2-9650135-A-G.
Identifiers: ClinVar variation 733394 (VCV000733394.15), dbSNP rs200399376, ClinGen allele CA1523533.

ClinVar aggregate classification (germline): Benign/Likely benign. Review status: criteria provided, multiple submitters, no conflicts (2 of 4 stars). 4 submissions from 4 submitters: Benign (1); Likely benign (2). 1 of the submissions does not count toward it. Last evaluated 2025-12-01.

Conditions:
ADAM17-related disorder. Also called: ADAM17-related condition.
Inflammatory skin and bowel disease, neonatal, 1. Identifiers: Orphanet 294023, MedGen C3280501, MONDO:0013693, OMIM 614328.

Allele frequency attached by ClinVar (database versions not stated): gnomAD exomes 0.00008 and 0.00040; gnomAD 0.00009 and 0.00011; TOPMed 0.00018; ExAC 0.00033; 1000 Genomes Project 30x 0.00078; 1000 Genomes Project 0.00080.
gnomAD v4.1: 163 of 1,614,108 alleles (0.01%); highest among the groups gnomAD compares: East Asian, 0.29%; no homozygotes.

Submissions (4):

Labcorp Genetics (formerly Invitae), Labcorp
Classification: Benign for Inflammatory skin and bowel disease, neonatal, 1. Last evaluated: 2025-12-01. Review status: criteria provided, single submitter. Criteria: Invitae Variant Classification Sherloc (09022015). Collection method: clinical testing. Allele origin: germline.

Women's Health and Genetics/Laboratory Corporation of America, LabCorp
Classification: Likely benign. Last evaluated: 2025-10-01. Review status: criteria provided, single submitter. Criteria: LabCorp Variant Classification Summary - May 2015. Collection method: clinical testing. Allele origin: germline.

Blueprint Genetics
Classification: Likely benign. Last evaluated: 2024-09-13. Review status: criteria provided, single submitter. Criteria: ACMG Guidelines, 2015. Collection method: clinical testing. Allele origin: germline.

PreventionGenetics, part of Exact Sciences
Classification: Likely benign for ADAM17-related condition. Last evaluated: 2022-10-11. Review status: no assertion criteria provided. Collection method: clinical testing. Allele origin: germline. Not counted in ClinVar's aggregate classification.
Comment: This variant is classified as likely benign based on ACMG/AMP sequence variant interpretation guidelines (Richards et al. 2015 PMID: 25741868, with internal and published modifications).